The following is an entry in ClinVar:

NM_000090.4(COL3A1):c.3418-5C>G

Gene: COL3A1 (collagen type III alpha 1 chain; plus strand). Cytogenetic location: 2q32.2.
Variant type: single nucleotide variant.
Coding change: c.3418-5C>G on transcript NM_000090.4 (MANE Select); 5 bases into the intron before coding-DNA position 3418, C replaced by G.
Molecular consequence: intron variant.
Genome position (GRCh38, 1-based): chr2:189,008,030, C>G. VCF-style: chr2-189008030-C-G. GRCh37 (hg19) VCF-style: chr2-189872756-C-G.
Identifiers: ClinVar variation 1172071 (VCV001172071.2), dbSNP rs377392671, ClinGen allele CA2499215542.

ClinVar aggregate classification (germline): Uncertain significance (1 of 4 stars; one submission).

Conditions:
Familial thoracic aortic aneurysm and aortic dissection (TAAD). Also called: Thoracic aortic aneurysms and dissections. Identifiers: Orphanet 91387, MedGen C4707243, MONDO:0019625.

gnomAD v4.1: 4 of 1,614,116 alleles (0.00025%); highest among the groups gnomAD compares: Non-Finnish European, 0.00034%; no homozygotes.

Submission:

Color Diagnostics, LLC DBA Color Health
Classification: Uncertain significance for Familial thoracic aortic aneurysm and aortic dissection. Last evaluated: 2020-10-05. Review status: criteria provided, single submitter. Criteria: ACMG Guidelines, 2015. Collection method: clinical testing. Allele origin: germline.
Comment: This variant causes a C to G nucleotide substitution at the -5 position of intron 46 of the COL3A1 gene. Splice site prediction tools are inconclusive regarding the impact of this variant on RNA splicing. To our knowledge, functional studies have not been reported for this variant. This variant has not been reported in individuals affected with cardiovascular disorders in the literature. This variant has not been identified in the general population by the Genome Aggregation Database (gnomAD). The available evidence is insufficient to determine the role of this variant in disease conclusively. Therefore, this variant is classified as a Variant of Uncertain Significance.